The following is an entry in ClinVar:

NM_000135.4(FANCA):c.1762C>T (p.Leu588Phe)

Gene: FANCA (FA complementation group A; minus strand). Cytogenetic location: 16q24.3.
Variant type: single nucleotide variant.
Coding change: c.1762C>T on transcript NM_000135.4 (MANE Select); coding-DNA position 1762, C replaced by T.
Protein change: p.Leu588Phe; replaces leucine 588 with phenylalanine.
Molecular consequence: missense variant.
Genome position (GRCh38, 1-based): chr16:89,778,957, G>A on the plus strand (C>T on the coding strand, the complement: FANCA is on the minus strand). VCF-style: chr16-89778957-G-A. GRCh37 (hg19) VCF-style: chr16-89845365-G-A.
Other names: c.1762C>T, p.Leu588Phe (NM_001286167.3); short protein forms L588F.
Identifiers: ClinVar variation 2228970 (VCV002228970.3), dbSNP rs2544227236, ClinGen allele CA397454766.
Genomic context (GRCh38, chr16:89,778,957, plus strand): 5'-TGCTTTCTACACAACTGGTCACAAACTCATGGAGACGCATACTGACCACTCGAGGTGTGA[G>A]CAGGGCGGGGAGGAAGTGGGACACGTAGTAAGGCCTCCTGAATATGCTGCAACACAGAGA-3'
Protein context (NP_000126.2, residues 578-598): YYVSHFLPAL[Leu588Phe]TPRVLPKVPD

ClinVar aggregate classification (germline): Uncertain significance (1 of 4 stars; one submission).

Conditions:
Inborn genetic diseases. Identifiers: MedGen C0950123, MeSH D030342.

Allele frequency attached by ClinVar (database versions not stated): gnomAD exomes below 0.00001.
gnomAD v4.1: 2 of 1,614,158 alleles (0.00012%); highest among the groups gnomAD compares: African/African-American, 0.0013%; no homozygotes.

Submission:

Ambry Genetics
Classification: Uncertain significance for Inborn genetic diseases. Last evaluated: 2025-05-01. Review status: criteria provided, single submitter. Criteria: Ambry Variant Classification Scheme 2023. Collection method: clinical testing. Allele origin: germline.
Comment: The p.L588F variant (also known as c.1762C>T), located in coding exon 19 of the FANCA gene, results from a C to T substitution at nucleotide position 1762. The leucine at codon 588 is replaced by phenylalanine, an amino acid with highly similar properties. This amino acid position is conserved. In addition, this alteration is predicted to be deleterious by in silico analysis. Based on the available evidence, the clinical significance of this variant remains unclear.